The following is an entry in ClinVar:

NM_001364171.2(ODAD1):c.1229A>T (p.Lys410Met)

Gene: ODAD1 (outer dynein arm docking complex subunit 1; minus strand). Cytogenetic location: 19q13.33.
Variant type: single nucleotide variant.
Coding change: c.1229A>T on transcript NM_001364171.2 (MANE Select); coding-DNA position 1229, A replaced by T.
Protein change: p.Lys410Met; replaces lysine 410 with methionine.
Molecular consequence: missense variant.
Genome position (GRCh38, 1-based): chr19:48,302,705, T>A on the plus strand (A>T on the coding strand, the complement: ODAD1 is on the minus strand). VCF-style: chr19-48302705-T-A. GRCh37 (hg19) VCF-style: chr19-48805962-T-A.
Other names: c.1118A>T, p.Lys373Met (NM_144577.4); short protein forms K373M, K410M.
Identifiers: ClinVar variation 3203973 (VCV003203973.4), dbSNP rs892746152, ClinGen allele CA309299393.

ClinVar aggregate classification (germline): Uncertain significance. Review status: criteria provided, multiple submitters, no conflicts (2 of 4 stars). 2 submissions from 2 submitters: Uncertain significance (2). Last evaluated 2026-08-10.

Conditions:
Primary ciliary dyskinesia. Also called: Ciliary dyskinesia. Identifiers: Orphanet 244, MedGen C0008780, MONDO:0016575, HP:0012265.

Allele frequency attached by ClinVar (database versions not stated): gnomAD exomes 0.00001; TOPMed 0.00001.
gnomAD v4.1: 4 of 1,610,604 alleles (0.00025%); highest among the groups gnomAD compares: Admixed American, 0.0067%; no homozygotes.

Submissions (2):

Ambry Genetics
Classification: Uncertain significance for Primary ciliary dyskinesia. Last evaluated: 2026-08-10. Review status: criteria provided, single submitter. Criteria: Ambry Variant Classification Scheme 2023. Collection method: clinical testing. Allele origin: germline.
Comment: The p.K373M variant (also known as c.1118A>T), located in coding exon 9 of the CCDC114 gene, results from an A to T substitution at nucleotide position 1118. The lysine at codon 373 is replaced by methionine, an amino acid with similar properties. This amino acid position is conserved. In addition, this alteration is predicted to be tolerated by in silico analysis. Based on the available evidence, the clinical significance of this variant remains unclear.

GeneDx
Classification: Uncertain significance. Last evaluated: 2025-11-19. Review status: criteria provided, single submitter. Criteria: GeneDx Variant Classification Process June 2021. Collection method: clinical testing. Allele origin: germline. Affected: yes.
Comment: In silico analysis suggests that this missense variant does not alter protein structure/function; Has not been previously published as pathogenic or benign to our knowledge